The following is an entry in ClinVar:

NM_000390.4(CHM):c.1733del (p.Pro578fs)

Gene: CHM (CHM Rab escort protein; minus strand). Cytogenetic location: Xq21.2.
Variant type: Deletion.
Coding change: c.1733del on transcript NM_000390.4 (MANE Select); coding-DNA position 1733, one base deleted (C; older notation c.1733delC).
Protein change: p.Pro578fs; shifts the reading frame from proline 578.
Molecular consequence: frameshift variant.
Genome position (GRCh38, 1-based): chrX:85,873,089, G deleted on the plus strand (C on the coding strand, the reverse complement: CHM is on the minus strand); the first of 3 consecutive G bases (chrX:85,873,089-85,873,091); deleting any one gives the same sequence. VCF-style (leftmost placement, unchanged base first): chrX-85873088-TG-T. GRCh37 (hg19) VCF-style: chrX-85128093-TG-T.
Other names: c.1289del, p.Pro430fs (NM_001320959.1, NM_001362517.1, NM_001362518.2 and 1 more transcripts); short protein forms P578fs, P430fs.
Identifiers: ClinVar variation 2751243 (VCV002751243.3), dbSNP rs2520014175, ClinGen allele CA2697553202.

ClinVar aggregate classification (germline): Pathogenic (1 of 4 stars; one submission).

Submission:

Labcorp Genetics (formerly Invitae), Labcorp
Classification: Pathogenic. Last evaluated: 2023-09-04. Review status: criteria provided, single submitter. Criteria: Invitae Variant Classification Sherloc (09022015). Collection method: clinical testing. Allele origin: germline.
Comment: For these reasons, this variant has been classified as Pathogenic. This variant disrupts a region of the CHM protein in which other variant(s) (p.Glu592Valfs*44) have been determined to be pathogenic (Invitae). This suggests that this is a clinically significant region of the protein, and that variants that disrupt it are likely to be disease-causing. This variant has not been reported in the literature in individuals affected with CHM-related conditions. This variant is not present in population databases (gnomAD no frequency). This sequence change creates a premature translational stop signal (p.Pro578Glnfs*5) in the CHM gene. While this is not anticipated to result in nonsense mediated decay, it is expected to disrupt the last 76 amino acid(s) of the CHM protein.